The following is an entry in ClinVar:

NM_000553.6(WRN):c.2630+6A>G

Gene: WRN (WRN RecQ like helicase; plus strand). Cytogenetic location: 8p12.
Variant type: single nucleotide variant.
Coding change: c.2630+6A>G on transcript NM_000553.6 (MANE Select); 6 bases into the intron after coding-DNA position 2630, A replaced by G.
Molecular consequence: intron variant.
Genome position (GRCh38, 1-based): chr8:31,120,430, A>G. VCF-style: chr8-31120430-A-G. GRCh37 (hg19) VCF-style: chr8-30977946-A-G.
Identifiers: ClinVar variation 958690 (VCV000958690.6), dbSNP rs1242715690, ClinGen allele CA850725204.

ClinVar aggregate classification (germline): Uncertain significance (1 of 4 stars; one submission).

Conditions:
Werner syndrome (WRN). Identifiers: Orphanet 902, MedGen C0043119, MONDO:0010196, OMIM 277700.

Allele frequency attached by ClinVar (database versions not stated): TOPMed 0.00001.
gnomAD v4.1: 8 of 1,610,978 alleles (0.0005%); highest among the groups gnomAD compares: East Asian, 0.0022%; no homozygotes.

Submission:

Labcorp Genetics (formerly Invitae), Labcorp
Classification: Uncertain significance for Werner syndrome. Last evaluated: 2024-07-30. Review status: criteria provided, single submitter. Criteria: Invitae Variant Classification Sherloc (09022015). Collection method: clinical testing. Allele origin: germline.
Comment: This sequence change falls in intron 21 of the WRN gene. It does not directly change the encoded amino acid sequence of the WRN protein. It affects a nucleotide within the consensus splice site. This variant is not present in population databases (gnomAD no frequency). This variant has not been reported in the literature in individuals affected with WRN-related conditions. ClinVar contains an entry for this variant (Variation ID: 958690). Variants that disrupt the consensus splice site are a relatively common cause of aberrant splicing (PMID: 17576681, 9536098). Algorithms developed to predict the effect of sequence changes on RNA splicing suggest that this variant is not likely to affect RNA splicing. In summary, the available evidence is currently insufficient to determine the role of this variant in disease. Therefore, it has been classified as a Variant of Uncertain Significance.

Literature cited by the submitters: PubMed 17576681; PubMed 9536098.